The following is an entry in ClinVar:

NM_000426.4(LAMA2):c.7553C>A (p.Thr2518Asn)

Gene: LAMA2 (laminin subunit alpha 2; plus strand). Cytogenetic location: 6q22.33.
Variant type: single nucleotide variant.
Coding change: c.7553C>A on transcript NM_000426.4 (MANE Select); coding-DNA position 7553, C replaced by A.
Protein change: p.Thr2518Asn; replaces threonine 2518 with asparagine.
Molecular consequence: missense variant.
Genome position (GRCh38, 1-based): chr6:129,478,794, C>A. VCF-style: chr6-129478794-C-A. GRCh37 (hg19) VCF-style: chr6-129799939-C-A.
Other names: c.7541C>A, p.Thr2514Asn (NM_001079823.2); short protein forms T2518N, T2514N.
Identifiers: ClinVar variation 581047 (VCV000581047.5), dbSNP rs1313279253, ClinGen allele CA365626949.

ClinVar aggregate classification (germline): Uncertain significance. Review status: criteria provided, multiple submitters, no conflicts (2 of 4 stars). 2 submissions from 2 submitters: Uncertain significance (2). Last evaluated 2022-09-13.

Conditions:
Muscular dystrophy, limb-girdle, autosomal recessive 23. Identifiers: Orphanet 565837, MedGen C4748327, MONDO:0029136, OMIM 618138.
Merosin deficient congenital muscular dystrophy (MDC1A). Also called: Congenital Muscular Dystrophy Type 1A (MDC1A); Congenital merosin-deficient muscular dystrophy 1A. Identifiers: Orphanet 258, MedGen C1263858, MONDO:0011925, OMIM 607855.
LAMA2-related muscular dystrophy (LAMA2-RD). Also called: Laminin alpha 2-related dystrophy. Identifiers: MedGen C5679788, MONDO:0100228.

Allele frequency attached by ClinVar (database versions not stated): gnomAD 0.00001; TOPMed below 0.00001.
gnomAD v4.1: 3 of 1,613,062 alleles (0.00019%); highest among the groups gnomAD compares: African/African-American, 0.0013%; no homozygotes.

Submissions (2):

Labcorp Genetics (formerly Invitae), Labcorp
Classification: Uncertain significance for LAMA2-related muscular dystrophy. Last evaluated: 2022-09-13. Review status: criteria provided, single submitter. Criteria: Invitae Variant Classification Sherloc (09022015). Collection method: clinical testing. Allele origin: germline.
Comment: ClinVar contains an entry for this variant (Variation ID: 581047). This variant has not been reported in the literature in individuals affected with LAMA2-related conditions. This variant is not present in population databases (gnomAD no frequency). This sequence change replaces threonine, which is neutral and polar, with asparagine, which is neutral and polar, at codon 2518 of the LAMA2 protein (p.Thr2518Asn). Advanced modeling of protein sequence and biophysical properties (such as structural, functional, and spatial information, amino acid conservation, physicochemical variation, residue mobility, and thermodynamic stability) performed at Invitae indicates that this missense variant is not expected to disrupt LAMA2 protein function. In summary, the available evidence is currently insufficient to determine the role of this variant in disease. Therefore, it has been classified as a Variant of Uncertain Significance.

Fulgent Genetics
Classification: Uncertain significance for Merosin deficient congenital muscular dystrophy; Muscular dystrophy, limb-girdle, autosomal recessive 23. Last evaluated: 2021-10-01. Review status: criteria provided, single submitter. Criteria: ACMG Guidelines, 2015. Collection method: clinical testing. Allele origin: unknown.